The following is an entry in ClinVar:

ClinVar aggregate classification (germline): Uncertain significance. Review status: criteria provided, multiple submitters, no conflicts (2 of 4 stars). 2 submissions from 2 submitters: Uncertain significance (2). Last evaluated 2025-02-24.

Conditions:
Ehlers-Danlos syndrome, type 4 (EDSVASC). Also called: Ehlers-Danlos syndrome vascular type; Ehlers Danlos syndrome, ecchymotic type; Ehlers Danlos syndrome, arterial type; Ehlers Danlos syndrome, Sack-Barabas type; Ehlers-Danlos Syndrome Type IV. Identifiers: Orphanet 286, MedGen C0268338, MONDO:0017314, OMIM 130050.

Submissions (2):

Women's Health and Genetics/Laboratory Corporation of America, LabCorp
Classification: Uncertain significance. Last evaluated: 2025-02-24. Review status: criteria provided, single submitter. Criteria: LabCorp Variant Classification Summary - May 2015. Collection method: clinical testing. Allele origin: germline.
Comment: Variant summary: COL3A1 c.4382G>T (p.Gly1461Val) results in a non-conservative amino acid change located in the Fibrillar collagen, C-terminal domain IPR000885) of the encoded protein sequence. Five of five in-silico tools predict a damaging effect of the variant on protein function. The variant was absent in 251204 control chromosomes (gnomAD). The available data on variant occurrences in the general population are insufficient to allow any conclusion about variant significance. To our knowledge, no occurrence of c.4382G>T in individuals affected with Polymicrogyria with or without vascular-type Ehlers-Danlos syndrome and no experimental evidence demonstrating its impact on protein function have been reported. ClinVar contains an entry for this variant (Variation ID: 639678). Based on the evidence outlined above, the variant was classified as uncertain significance.

Labcorp Genetics (formerly Invitae), Labcorp
Classification: Uncertain significance for Ehlers-Danlos syndrome, type 4. Last evaluated: 2018-07-02. Review status: criteria provided, single submitter. Criteria: Invitae Variant Classification Sherloc (09022015). Collection method: clinical testing. Allele origin: germline.
Comment: In summary, the available evidence is currently insufficient to determine the role of this variant in disease. Therefore, it has been classified as a Variant of Uncertain Significance. Algorithms developed to predict the effect of missense changes on protein structure and function are either unavailable or do not agree on the potential impact of this missense change (SIFT: "Deleterious"; PolyPhen-2: "Not Available"; Align-GVGD: "Class C0"). This variant has not been reported in the literature in individuals with COL3A1-related disease. This variant is not present in population databases (ExAC no frequency). This sequence change replaces glycine with valine at codon 1461 of the COL3A1 protein (p.Gly1461Val). The glycine residue is highly conserved and there is a moderate physicochemical difference between glycine and valine.

NM_000090.4(COL3A1):c.4382G>T (p.Gly1461Val)

Gene: COL3A1 (collagen type III alpha 1 chain; plus strand). Cytogenetic location: 2q32.2.
Variant type: single nucleotide variant.
Coding change: c.4382G>T on transcript NM_000090.4 (MANE Select); coding-DNA position 4382, G replaced by T.
Protein change: p.Gly1461Val; replaces glycine 1461 with valine.
Molecular consequence: missense variant.
Genome position (GRCh38, 1-based): chr2:189,011,755, G>T. VCF-style: chr2-189011755-G-T. GRCh37 (hg19) VCF-style: chr2-189876481-G-T.
Other names: short protein forms G1461V.
Identifiers: ClinVar variation 639678 (VCV000639678.10), dbSNP rs1576474944, ClinGen allele CA349850471.